The following is an entry in ClinVar:

NM_019066.5(MAGEL2):c.3190C>T (p.Arg1064Cys)

Gene: MAGEL2 (MAGE family member L2; minus strand). Cytogenetic location: 15q11.2.
Variant type: single nucleotide variant.
Coding change: c.3190C>T on transcript NM_019066.5 (MANE Select); coding-DNA position 3190, C replaced by T.
Protein change: p.Arg1064Cys; replaces arginine 1064 with cysteine.
Molecular consequence: missense variant.
Genome position (GRCh38, 1-based): chr15:23,644,553, G>A on the plus strand (C>T on the coding strand, the complement: MAGEL2 is on the minus strand). VCF-style: chr15-23644553-G-A. GRCh37 (hg19) VCF-style: chr15-23889700-G-A.
Other names: short protein forms R1064C.
Identifiers: ClinVar variation 1314612 (VCV001314612.5), dbSNP rs551493054, ClinGen allele CA7429726.

ClinVar aggregate classification (germline): Uncertain significance. Review status: criteria provided, multiple submitters, no conflicts (2 of 4 stars). 2 submissions from 2 submitters: Uncertain significance (2). Last evaluated 2024-01-30.

Allele frequency attached by ClinVar (database versions not stated): ExAC 0.00001; gnomAD 0.00002.

Submissions (2):

Labcorp Genetics (formerly Invitae), Labcorp
Classification: Uncertain significance. Last evaluated: 2024-01-30. Review status: criteria provided, single submitter. Criteria: Invitae Variant Classification Sherloc (09022015). Collection method: clinical testing. Allele origin: germline.
Comment: This sequence change replaces arginine, which is basic and polar, with cysteine, which is neutral and slightly polar, at codon 1064 of the MAGEL2 protein (p.Arg1064Cys). The frequency data for this variant in the population databases is considered unreliable, as metrics indicate poor data quality at this position in the gnomAD database. This variant has not been reported in the literature in individuals affected with MAGEL2-related conditions. ClinVar contains an entry for this variant (Variation ID: 1314612). Advanced modeling of protein sequence and biophysical properties (such as structural, functional, and spatial information, amino acid conservation, physicochemical variation, residue mobility, and thermodynamic stability) has been performed at Invitae for this missense variant, however the output from this modeling did not meet the statistical confidence thresholds required to predict the impact of this variant on MAGEL2 protein function. In summary, the available evidence is currently insufficient to determine the role of this variant in disease. Therefore, it has been classified as a Variant of Uncertain Significance.

GeneDx
Classification: Uncertain significance. Last evaluated: 2021-04-15. Review status: criteria provided, single submitter. Criteria: GeneDx Variant Classification Process June 2021. Collection method: clinical testing. Allele origin: germline. Affected: yes.
Comment: Not observed at a significant frequency in large population cohorts (Lek et al., 2016); In silico analysis supports that this missense variant has a deleterious effect on protein structure/function; Has not been previously published as pathogenic or benign to our knowledge